The following is an entry in ClinVar:

ClinVar aggregate classification (germline): Likely benign (0 of 4 stars; one submission).

Conditions:
FANCI-related disorder. Also called: FANCI-related condition.

Submission:

PreventionGenetics, part of Exact Sciences
Classification: Likely benign for FANCI-related condition. Last evaluated: 2019-02-20. Review status: no assertion criteria provided. Collection method: clinical testing. Allele origin: germline.
Comment: This variant is classified as likely benign based on ACMG/AMP sequence variant interpretation guidelines (Richards et al. 2015 PMID: 25741868, with internal and published modifications).

NM_001113378.2(FANCI):c.1381+9C>T

Gene: FANCI (FA complementation group I; plus strand). Cytogenetic location: 15q26.1.
Variant type: single nucleotide variant.
Coding change: c.1381+9C>T on transcript NM_001113378.2 (MANE Select); 9 bases into the intron after coding-DNA position 1381, C replaced by T.
Molecular consequence: intron variant.
Genome position (GRCh38, 1-based): chr15:89,278,783, C>T. VCF-style: chr15-89278783-C-T. GRCh37 (hg19) VCF-style: chr15-89822014-C-T.
Other names: c.1381+9C>T (NM_018193.3, NM_001376911.1); c.1102+9C>T (NM_001376910.1).
Identifiers: ClinVar variation 3058583 (VCV003058583.2), dbSNP rs2506599857, ClinGen allele CA2740096765.